The following is an entry in ClinVar:

NM_004364.5(CEBPA):c.400G>A (p.Ala134Thr)

Gene: CEBPA (CCAAT enhancer binding protein alpha; minus strand). Cytogenetic location: 19q13.11.
Variant type: single nucleotide variant.
Coding change: c.400G>A on transcript NM_004364.5 (MANE Select); coding-DNA position 400, G replaced by A.
Protein change: p.Ala134Thr; replaces alanine 134 with threonine.
Molecular consequence: missense variant.
Genome position (GRCh38, 1-based): chr19:33,302,015, C>T on the plus strand (G>A on the coding strand, the complement: CEBPA is on the minus strand). VCF-style: chr19-33302015-C-T. GRCh37 (hg19) VCF-style: chr19-33792921-C-T.
Other names: c.43G>A, p.Ala15Thr (NM_001285829.2); c.505G>A, p.Ala169Thr (NM_001287424.2); c.358G>A, p.Ala120Thr (NM_001287435.2); short protein forms A120T, A169T, A134T, A15T.
Identifiers: ClinVar variation 5034283 (VCV005034283.1).

ClinVar aggregate classification (germline): Uncertain significance (1 of 4 stars; one submission).

Conditions:
Inborn genetic diseases. Identifiers: MedGen C0950123, MeSH D030342.

Submission:

Ambry Genetics
Classification: Uncertain significance for Inborn genetic diseases. Last evaluated: 2026-07-06. Review status: criteria provided, single submitter. Criteria: Ambry Variant Classification Scheme 2023. Collection method: clinical testing. Allele origin: germline.
Comment: The p.A134T variant (also known as c.400G>A), located in coding exon 1 of the CEBPA gene, results from a G to A substitution at nucleotide position 400. The alanine at codon 134 is replaced by threonine, an amino acid with similar properties. This amino acid position is conserved. In addition, this alteration is predicted to be tolerated by in silico analysis. Based on the available evidence, the clinical significance of this variant remains unclear.